The following is an entry in ClinVar:

ClinVar aggregate classification (germline): Uncertain significance (0 of 4 stars; one submission).
ClinVar aggregate classification (somatic clinical impact): Tier II - Potential (1 of 4 stars; one submission).

Conditions:
Kabuki syndrome 1 (KABUK1). Also called: KMT2D-Related Kabuki Syndrome. Identifiers: Orphanet 2322, MedGen CN030661, MONDO:0007843, OMIM 147920.
Medulloblastoma WNT activated. Identifiers: MedGen C4331965, MONDO:0850196.

Submissions (2):

Institute for Genomic Medicine (IGM) Clinical Laboratory, Nationwide Children's Hospital
Classification: Tier II - Potential for Medulloblastoma WNT activated. Assertion type: diagnostic. Clinical significance: supports diagnosis. Last evaluated: 2022-11-28. Review status: criteria provided, single submitter. Criteria: AMP/ASCO/CAP Guidelines, 2017. Collection method: clinical testing. Allele origin: somatic. Affected: yes.
Comment: Variant has Tier II (potential) clinical significance as a diagnostic inclusion criterion in medulloblastoma WNT activated, based on the following evidence: 1) Appears in one or more well-established professional guidelines (e.g., World Health Organization [WHO]; National Comprehensive Cancer Network [NCCN]) as providing diagnostic, prognostic, or therapeutic information (PMIDs: 28726821, 33172502, 21163964). 2) Diagnostic significance based on multiple small studies (Evidence Level C; PMIDs: 28726821, 33172502, 21163964).

Division of Translational Medicine and Human Genetics, University of Pennsylvania
Classification: Uncertain significance for Kabuki syndrome 1. Last evaluated: 2015-01-01. Review status: no assertion criteria provided. Collection method: clinical testing. Allele origin: unknown. Inheritance: Autosomal dominant inheritance. Affected: yes. Observed: 1 heterozygote.

Literature cited by the submitters: PubMed 28726821 (cited by Institute for Genomic Medicine (IGM) Clinical Laboratory, Nationwide Children's Hospital); PubMed 33172502 (cited by Institute for Genomic Medicine (IGM) Clinical Laboratory, Nationwide Children's Hospital); PubMed 21163964 (cited by Institute for Genomic Medicine (IGM) Clinical Laboratory, Nationwide Children's Hospital).

NM_003482.4(KMT2D):c.15626G>T (p.Gly5209Val)

Gene: KMT2D (lysine methyltransferase 2D; minus strand). Cytogenetic location: 12q13.12.
Variant type: single nucleotide variant.
Coding change: c.15626G>T on transcript NM_003482.4 (MANE Select); coding-DNA position 15626, G replaced by T.
Protein change: p.Gly5209Val; replaces glycine 5209 with valine.
Molecular consequence: missense variant.
Genome position (GRCh38, 1-based): chr12:49,026,340, C>A on the plus strand (G>T on the coding strand, the complement: KMT2D is on the minus strand). VCF-style: chr12-49026340-C-A. GRCh37 (hg19) VCF-style: chr12-49420123-C-A.
Other names: short protein forms G5209V.
Identifiers: ClinVar variation 2501816 (VCV002501816.3), dbSNP rs2137715465, ClinGen allele CA384686272.
Genomic context (GRCh38, chr12:49,026,340, plus strand): 5'-CGATAGCAGCAGCGACGATTGTTGGTGCGGAGGCTCCAATAGATGCGCGTGGCCTCGTAG[C>A]CCACGGGATAGAGGGCAGTGGCACTATGAAAGTCAGCCATCTGGTGAGGCAGCAGCTGTC-3'
Protein context (NP_003473.3, residues 5199-5219): FHSATALYPV[Gly5209Val]YEATRIYWSL